The following is an entry in ClinVar:

ClinVar aggregate classification (germline): Uncertain significance (1 of 4 stars; one submission).

Conditions:
Classic or attenuated familial adenomatous polyposis. Identifiers: MedGen CN372698, MONDO:0021057.

Submission:

All of Us Research Program, National Institutes of Health
Classification: Uncertain significance for Classic or attenuated familial adenomatous polyposis. Last evaluated: 2023-04-03. Review status: criteria provided, single submitter. Criteria: ACMG Guidelines, 2015. Collection method: clinical testing. Allele origin: germline. Inheritance: Autosomal dominant inheritance. Observed: 1 variant allele, 1 heterozygote.
Comment: This missense variant replaces serine with tyrosine at codon 2029 of the APC protein. Computational prediction is inconclusive regarding the impact of this variant on protein structure and function (internally defined REVEL score threshold 0.5 < inconclusive < 0.7, PMID: 27666373). To our knowledge, functional studies have not been reported for this variant. This variant has been reported in individuals affected with colorectal cancer (PMID: 36179682, 35939113). This variant has not been identified in the general population by the Genome Aggregation Database (gnomAD). The available evidence is insufficient to determine the role of this variant in disease conclusively. Therefore, this variant is classified as a Variant of Uncertain Significance.

This study involves interpretation of variants in research participants for the purpose of population health screening. Participant phenotype was not available at the time of variant classification. Additional details can be found in publication PMID: 35346344, PMCID: PMC8962531

Literature cited by the submitters: PubMed 35939113; PubMed 36179682.

NM_000038.6(APC):c.6086C>A (p.Ser2029Tyr)

Gene: APC (APC regulator of WNT signaling pathway; plus strand). Cytogenetic location: 5q22.2.
Variant type: single nucleotide variant.
Coding change: c.6086C>A on transcript NM_000038.6 (MANE Select); coding-DNA position 6086, C replaced by A.
Protein change: p.Ser2029Tyr; replaces serine 2029 with tyrosine.
Molecular consequence: missense variant. On other transcripts: non-coding transcript variant (2).
Genome position (GRCh38, 1-based): chr5:112,841,680, C>A. VCF-style: chr5-112841680-C-A. GRCh37 (hg19) VCF-style: chr5-112177377-C-A.
Other names: c.6086C>A, p.Ser2029Tyr (NM_001127510.3, NM_001354895.2, NM_001407450.1); c.6032C>A, p.Ser2011Tyr (NM_001127511.3); c.6140C>A, p.Ser2047Tyr (NM_001354896.2, NM_001407447.1, NM_001407448.1 and 1 more transcripts); c.6116C>A, p.Ser2039Tyr (NM_001354897.2); c.6011C>A, p.Ser2004Tyr (NM_001354898.2); c.6002C>A, p.Ser2001Tyr (NM_001354899.2); c.5963C>A, p.Ser1988Tyr (NM_001354900.2); c.5909C>A, p.Ser1970Tyr (NM_001354901.2, NM_001407453.1); and 11 more; short protein forms S1645Y, S1746Y, S1869Y, S1900Y, S1903Y, S1928Y, S1938Y, S1946Y.
Identifiers: ClinVar variation 3070145 (VCV003070145.1), dbSNP rs2149956637, ClinGen allele CA16034653.
Genomic context (GRCh38, chr5:112,841,680, plus strand): 5'-CTAAATCATTTCATGTTGAAGATACCCCAGTTTGTTTCTCAAGAAACAGTTCTCTCAGTT[C>A]TCTTAGTATTGACTCTGAAGATGACCTGTTGCAGGAATGTATAAGCTCCGCAATGCCAAA-3'
Protein context (NP_000029.2, residues 2019-2039): VCFSRNSSLS[Ser2029Tyr]LSIDSEDDLL